The following is an entry in ClinVar:

NM_001042702.5(PJVK):c.195C>G (p.Asp65Glu)

Gene: PJVK (pejvakin; plus strand). Cytogenetic location: 2q31.2.
Variant type: single nucleotide variant.
Coding change: c.195C>G on transcript NM_001042702.5 (MANE Select); coding-DNA position 195, C replaced by G.
Protein change: p.Asp65Glu; replaces aspartic acid 65 with glutamic acid.
Molecular consequence: missense variant. On other transcripts: 5 prime UTR variant (2).
Genome position (GRCh38, 1-based): chr2:178,453,604, C>G. VCF-style: chr2-178453604-C-G. GRCh37 (hg19) VCF-style: chr2-179318331-C-G.
Other names: c.204C>G, p.Asp68Glu (NM_001353775.2); c.300C>G, p.Asp100Glu (NM_001353776.2); c.-283C>G (NM_001353777.1, NM_001353778.2); c.195C>G, p.Asp65Glu (NM_001369912.1); short protein forms D65E, D100E, D68E.
Identifiers: ClinVar variation 179555 (VCV000179555.4), dbSNP rs727504946, ClinGen allele CA184652.

ClinVar aggregate classification (germline): Likely benign (1 of 4 stars; one submission).

Allele frequency attached by ClinVar (database versions not stated): gnomAD exomes below 0.00001.
gnomAD v4.1: 1 of 1,612,794 alleles (0.000062%); highest among the groups gnomAD compares: Middle Eastern, 0.017%; no homozygotes.

Submission:

Laboratory for Molecular Medicine, Mass General Brigham Personalized Medicine
Classification: Likely benign. Last evaluated: 2014-02-27. Review status: criteria provided, single submitter. Criteria: LMM Criteria. Collection method: clinical testing. Allele origin: germline. Observed: 1 variant allele.
Comment: Asp65Glu in exon 2 of DFNB59: This variant is not expected to have clinical sig nificance because the amino acid residue at this position is not well conserved, with several species (birds, reptiles and fish) including one mammal (elephant shrew) having this variant (Glu) at this position, and computational analyses (a mino acid biochemical properties, conservation, SIFT, PolyPhen-2, AlignGVGD) sug gest this variant may not impact the protein.